The following is an entry in ClinVar:

ClinVar aggregate classification (germline): Benign (0 of 4 stars; one submission).

Conditions:
UBR4-related disorder. Also called: UBR4-related condition.

Allele frequency attached by ClinVar (database versions not stated): 1000 Genomes Project 30x 0.03342; 1000 Genomes Project 0.03375; TOPMed 0.06809; gnomAD 0.07232; ExAC 0.07786; ESP Exome Variant Server 0.08058; gnomAD exomes 0.10715.
gnomAD v4.1: 166,545 of 1,613,964 alleles (10%); highest among the groups gnomAD compares: Non-Finnish European, 12%; 9,693 homozygotes.

Submission:

PreventionGenetics, part of Exact Sciences
Classification: Benign for UBR4-related condition. Last evaluated: 2019-07-08. Review status: no assertion criteria provided. Collection method: clinical testing. Allele origin: germline.
Comment: This variant is classified as benign based on ACMG/AMP sequence variant interpretation guidelines (Richards et al. 2015 PMID: 25741868, with internal and published modifications).

NM_020765.3(UBR4):c.3144C>T (p.Ser1048=)

Gene: UBR4 (ubiquitin protein ligase E3 component n-recognin 4; minus strand). Cytogenetic location: 1p36.13.
Variant type: single nucleotide variant.
Coding change: c.3144C>T on transcript NM_020765.3 (MANE Select); coding-DNA position 3144, C replaced by T.
Protein change: p.Ser1048=; no amino-acid change (serine 1048 retained).
Molecular consequence: synonymous variant.
Genome position (GRCh38, 1-based): chr1:19,173,460, G>A on the plus strand (C>T on the coding strand, the complement: UBR4 is on the minus strand). VCF-style: chr1-19173460-G-A. GRCh37 (hg19) VCF-style: chr1-19499954-G-A.
Identifiers: ClinVar variation 3055654 (VCV003055654.2), dbSNP rs952790, ClinGen allele CA651240.